The following is an entry in ClinVar:

ClinVar aggregate classification (germline): Uncertain significance (1 of 4 stars; one submission).

gnomAD v4.1: 35 of 1,607,282 alleles (0.0022%); highest among the groups gnomAD compares: Non-Finnish European, 0.003%; no homozygotes.

Submission:

Labcorp Genetics (formerly Invitae), Labcorp
Classification: Uncertain significance. Last evaluated: 2025-03-26. Review status: criteria provided, single submitter. Criteria: Invitae Variant Classification Sherloc (09022015). Collection method: clinical testing. Allele origin: germline.
Comment: This sequence change replaces lysine, which is basic and polar, with asparagine, which is neutral and polar, at codon 238 of the PSMA3 protein (p.Lys238Asn). This variant is present in population databases (rs776716919, gnomAD 0.002%). This variant has not been reported in the literature in individuals affected with PSMA3-related conditions. An algorithm developed to predict the effect of missense changes on protein structure and function (PolyPhen-2) suggests that this variant is likely to be tolerated. In summary, the available evidence is currently insufficient to determine the role of this variant in disease. Therefore, it has been classified as a Variant of Uncertain Significance.

NM_002788.4(PSMA3):c.714A>C (p.Lys238Asn)

Genes: PSMA3 (proteasome 20S subunit alpha 3; plus strand), PSMA3-AS1 (PSMA3 antisense RNA 1; minus strand). Cytogenetic location: 14q23.1.
Variant type: single nucleotide variant.
Coding change: c.714A>C on transcript NM_002788.4 (MANE Select); coding-DNA position 714, A replaced by C.
Protein change: p.Lys238Asn; replaces lysine 238 with asparagine.
Molecular consequence: missense variant. On other transcripts: non-coding transcript variant (1).
Genome position (GRCh38, 1-based): chr14:58,270,989, A>C. VCF-style: chr14-58270989-A-C. GRCh37 (hg19) VCF-style: chr14-58737707-A-C.
Other names: c.693A>C, p.Lys231Asn (NM_152132.3); short protein forms K238N, K231N.
Identifiers: ClinVar variation 4761513 (VCV004761513.1).